The following is an entry in ClinVar:

ClinVar aggregate classification (germline): Uncertain significance. Review status: criteria provided, multiple submitters, no conflicts (2 of 4 stars). 3 submissions from 3 submitters: Uncertain significance (3). Last evaluated 2023-08-16.

Conditions:
COL4A1 or COL4A2-related cerebral small vessel disease. Identifiers: Orphanet 477759, MedGen C5680103, MONDO:0018788.

Allele frequency attached by ClinVar (database versions not stated): TOPMed 0.00001; gnomAD exomes 0.00002 and 0.00001; ExAC 0.00002.
gnomAD v4.1: 31 of 1,614,236 alleles (0.0019%); highest among the groups gnomAD compares: Non-Finnish European, 0.0025%; no homozygotes.

Submissions (3):

Labcorp Genetics (formerly Invitae), Labcorp
Classification: Uncertain significance. Last evaluated: 2023-08-16. Review status: criteria provided, single submitter. Criteria: Invitae Variant Classification Sherloc (09022015). Collection method: clinical testing. Allele origin: germline.
Comment: In summary, the available evidence is currently insufficient to determine the role of this variant in disease. Therefore, it has been classified as a Variant of Uncertain Significance. This sequence change replaces tyrosine, which is neutral and polar, with histidine, which is basic and polar, at codon 1475 of the COL4A1 protein (p.Tyr1475His). This variant is present in population databases (rs775952266, gnomAD 0.004%). This missense change has been observed in individual(s) with clinical features of COL4A1-related conditions (PMID: 31719132). ClinVar contains an entry for this variant (Variation ID: 1489793). Experimental studies and prediction algorithms are not available or were not evaluated, and the functional significance of this variant is currently unknown.

GeneDx
Classification: Uncertain significance. Last evaluated: 2023-02-17. Review status: criteria provided, single submitter. Criteria: GeneDx Variant Classification Process June 2021. Collection method: clinical testing. Allele origin: germline. Affected: yes.
Comment: Identified in a patient with small vessel disease stroke in the published literature (Tan et al., 2023); In silico analysis supports that this missense variant has a deleterious effect on protein structure/function; This variant is associated with the following publications: (PMID: 31719132)

Victorian Clinical Genetics Services, Murdoch Childrens Research Institute
Classification: Uncertain significance for COL4A1 or COL4A2-related cerebral small vessel disease. Last evaluated: 2020-05-25. Review status: criteria provided, single submitter. Criteria: ACMG Guidelines, 2015. Collection method: clinical testing. Allele origin: germline. Inheritance: Autosomal dominant inheritance. Affected: yes.
Comment: Based on the classification scheme VCGS_Germline_v1.1.1, this variant is classified as 3B-VUS. Following criteria are met: 0102 - Loss-of-function is a known mechanism of disease for this gene. (N) 0107 - This gene is known to be associated with autosomal dominant disease. (N) 0112 - Variants in this gene are known to have reduced penetrance (PMID: 21625620). (N) 0200 - Variant is predicted to result in a missense amino acid change from tyrosine to histidine (exon 48). (N) 0251 - Variant is heterozygous. (N) 0302 - Variant is present in gnomAD <0.001 for a dominant condition (3 heterozygotes, 0 homozygote). (P) 0502 - Missense variant with conflicting in silico predictions and/or uninformative conservation. (N) 0600 - Variant is located in an annotated domain or motif (C4 domain; PMID: 31719132). (N) 0705 - No comparable variants have previous evidence for pathogenicity. (N) 0804 - Variant has previously been described as a variant of uncertain significance in a patient with younger-onset apparently sporadic small vessel disease stroke (PMID: 31719132). (N) 0905 - No segregation evidence has been identified for this variant. (N) 1007 - No published functional evidence has been identified for this variant. (N) 1208 - Inheritance information for this variant is not currently available. (N) Legend: (P) - Pathogenic, (N) - Neutral, (B) - Benign

Literature cited by the submitters: PubMed 31719132 (cited by Labcorp Genetics (formerly Invitae), Labcorp and Victorian Clinical Genetics Services, Murdoch Childrens Research Institute); PubMed 21625620 (cited by Victorian Clinical Genetics Services, Murdoch Childrens Research Institute).

NM_001845.6(COL4A1):c.4423T>C (p.Tyr1475His)

Gene: COL4A1 (collagen type IV alpha 1 chain; minus strand). Cytogenetic location: 13q34.
Variant type: single nucleotide variant.
Coding change: c.4423T>C on transcript NM_001845.6 (MANE Select); coding-DNA position 4423, T replaced by C.
Protein change: p.Tyr1475His; replaces tyrosine 1475 with histidine.
Molecular consequence: missense variant.
Genome position (GRCh38, 1-based): chr13:110,162,269, A>G on the plus strand (T>C on the coding strand, the complement: COL4A1 is on the minus strand). VCF-style: chr13-110162269-A-G. GRCh37 (hg19) VCF-style: chr13-110814616-A-G.
Other names: c.4423T>C (NM_001845.4); short protein forms Y1475H.
Identifiers: ClinVar variation 1489793 (VCV001489793.8), dbSNP rs775952266, ClinGen allele CA7046943.